The following is an entry in ClinVar:

NM_001378183.1(PIEZO2):c.6009C>T (p.His2003=)

Gene: PIEZO2 (piezo type mechanosensitive ion channel component 2; minus strand). Cytogenetic location: 18p11.22.
Variant type: single nucleotide variant.
Coding change: c.6009C>T on transcript NM_001378183.1 (MANE Select); coding-DNA position 6009, C replaced by T.
Protein change: p.His2003=; no amino-acid change (histidine 2003 retained).
Molecular consequence: synonymous variant.
Genome position (GRCh38, 1-based): chr18:10,704,643, G>A on the plus strand (C>T on the coding strand, the complement: PIEZO2 is on the minus strand). VCF-style: chr18-10704643-G-A. GRCh37 (hg19) VCF-style: chr18-10704641-G-A.
Other names: c.5670C>T, p.His1890= (NM_022068.4).
Identifiers: ClinVar variation 755695 (VCV000755695.15), dbSNP rs866759573, ClinGen allele CA295990553.

ClinVar aggregate classification (germline): Likely benign. Review status: criteria provided, multiple submitters, no conflicts (2 of 4 stars). 3 submissions from 3 submitters: Likely benign (3). Last evaluated 2025-09-03.

Allele frequency attached by ClinVar (database versions not stated): gnomAD exomes 0.00001; TOPMed 0.00002.
gnomAD v4.1: 13 of 1,536,200 alleles (0.00085%); highest among the groups gnomAD compares: Admixed American, 0.002%; no homozygotes.

Submissions (3):

Labcorp Genetics (formerly Invitae), Labcorp
Classification: Likely benign. Last evaluated: 2025-09-03. Review status: criteria provided, single submitter. Criteria: Invitae Variant Classification Sherloc (09022015). Collection method: clinical testing. Allele origin: germline.

CeGaT Center for Human Genetics Tuebingen
Classification: Likely benign. Last evaluated: 2025-07-01. Review status: criteria provided, single submitter. Criteria: CeGaT Center For Human Genetics Tuebingen Variant Classification Criteria Version 2. Collection method: clinical testing. Allele origin: germline. Affected: yes. Observed: 1 variant allele.
Comment: PIEZO2: BP4, BP7

Blueprint Genetics
Classification: Likely benign. Last evaluated: 2021-03-17. Review status: criteria provided, single submitter. Criteria: ACMG Guidelines, 2015. Collection method: clinical testing. Allele origin: germline.